The following is an entry in ClinVar:

NM_152618.3(BBS12):c.1148A>G (p.Asp383Gly)

Gene: BBS12 (Bardet-Biedl syndrome 12; plus strand). Cytogenetic location: 4q27.
Variant type: single nucleotide variant.
Coding change: c.1148A>G on transcript NM_152618.3 (MANE Select); coding-DNA position 1148, A replaced by G.
Protein change: p.Asp383Gly; replaces aspartic acid 383 with glycine.
Molecular consequence: missense variant.
Genome position (GRCh38, 1-based): chr4:122,743,040, A>G. VCF-style: chr4-122743040-A-G. GRCh37 (hg19) VCF-style: chr4-123664195-A-G.
Other names: c.1148A>G, p.Asp383Gly (NM_001178007.2); short protein forms D383G.
Identifiers: ClinVar variation 1036725 (VCV001036725.2), dbSNP rs1388311562, ClinGen allele CA358224498.
Genomic context (GRCh38, chr4:122,743,040, plus strand): 5'-TCACAGAGAATTACCGCCACCTGGGATTTAATAAGTCTGCAAATATTAAAACAGTATTAG[A>G]TAGCATGCGGCTTCAAGAAGACAGCTCAGAAGAACTGTGGGCAAATCACGTGTTACAGGT-3'
Protein context (NP_689831.2, residues 373-393): NKSANIKTVL[Asp383Gly]SMRLQEDSSE

ClinVar aggregate classification (germline): Uncertain significance (1 of 4 stars; one submission).

Conditions:
Bardet-Biedl syndrome (BBS). Identifiers: Orphanet 110, MedGen C0752166, MONDO:0015229.

Allele frequency attached by ClinVar (database versions not stated): TOPMed below 0.00001.

Submission:

Labcorp Genetics (formerly Invitae), Labcorp
Classification: Uncertain significance for Bardet-Biedl syndrome. Last evaluated: 2022-07-12. Review status: criteria provided, single submitter. Criteria: Invitae Variant Classification Sherloc (09022015). Collection method: clinical testing. Allele origin: germline.
Comment: This sequence change replaces aspartic acid, which is acidic and polar, with glycine, which is neutral and non-polar, at codon 383 of the BBS12 protein (p.Asp383Gly). This variant is not present in population databases (gnomAD no frequency). This variant has not been reported in the literature in individuals affected with BBS12-related conditions. ClinVar contains an entry for this variant (Variation ID: 1036725). Algorithms developed to predict the effect of missense changes on protein structure and function are either unavailable or do not agree on the potential impact of this missense change (SIFT: "Deleterious"; PolyPhen-2: "Benign"; Align-GVGD: "Class C0"). Algorithms developed to predict the effect of sequence changes on RNA splicing suggest that this variant may create or strengthen a splice site. In summary, the available evidence is currently insufficient to determine the role of this variant in disease. Therefore, it has been classified as a Variant of Uncertain Significance.